The following is an entry in ClinVar:

ClinVar aggregate classification (germline): Uncertain significance (1 of 4 stars; one submission).

Conditions:
Hereditary cancer-predisposing syndrome. Also called: Neoplastic Syndromes, Hereditary; Tumor predisposition; Hereditary Cancer Syndrome; Hereditary neoplastic syndrome. Identifiers: Orphanet 140162, MedGen C0027672, MeSH D009386, MONDO:0015356.

Submission:

Ambry Genetics
Classification: Uncertain significance for Hereditary cancer-predisposing syndrome. Last evaluated: 2026-03-10. Review status: criteria provided, single submitter. Criteria: Ambry Variant Classification Scheme 2023. Collection method: clinical testing. Allele origin: germline.
Comment: The p.S632R variant (also known as c.1894A>C), located in coding exon 9 of the BRCA1 gene, results from an A to C substitution at nucleotide position 1894. The serine at codon 632 is replaced by arginine, an amino acid with dissimilar properties. This amino acid position is well conserved in available vertebrate species. In addition, the in silico prediction for this alteration is inconclusive. Based on the available evidence, the clinical significance of this variant remains unclear.

NM_007294.4(BRCA1):c.1894A>C (p.Ser632Arg)

Gene: BRCA1 (BRCA1 DNA repair associated; minus strand). Cytogenetic location: 17q21.31.
Variant type: single nucleotide variant.
Coding change: c.1894A>C on transcript NM_007294.4 (MANE Select); coding-DNA position 1894, A replaced by C.
Protein change: p.Ser632Arg; replaces serine 632 with arginine.
Molecular consequence: missense variant. On other transcripts: intron variant (137).
Genome position (GRCh38, 1-based): chr17:43,093,637, T>G on the plus strand (A>C on the coding strand, the complement: BRCA1 is on the minus strand). VCF-style: chr17-43093637-T-G. GRCh37 (hg19) VCF-style: chr17-41245654-T-G.
Other names: c.1771A>C, p.Ser591Arg (NM_001407937.1, NM_001407938.1, NM_001407939.1 and 19 more transcripts); c.1768A>C, p.Ser590Arg (NM_001407940.1, NM_001407941.1, NM_001407649.1 and 11 more transcripts); c.1753A>C, p.Ser585Arg (NM_001407942.1, NM_001407944.1, NM_001407945.1 and 29 more transcripts); c.1750A>C, p.Ser584Arg (NM_001407943.1, NM_001407964.1, NM_001407740.1 and 20 more transcripts); c.1681A>C, p.Ser561Arg (NM_001407853.1, NM_001407894.1, NM_001407895.1 and 9 more transcripts); c.1894A>C, p.Ser632Arg (NM_001407854.1, NM_001407858.1, NM_001407859.1 and 30 more transcripts); c.1891A>C, p.Ser631Arg (NM_001407860.1, NM_001407861.1, NM_001407587.1 and 22 more transcripts); c.1684A>C, p.Ser562Arg (NM_001407887.1, NM_001407889.1, NM_001407900.1 and 13 more transcripts); and 40 more; short protein forms S505R, S520R, S521R, S561R, S605R, S629R, S543R, S544R.
Identifiers: ClinVar variation 4826634 (VCV004826634.1).